The following is an entry in ClinVar:

ClinVar aggregate classification (germline): Pathogenic (1 of 4 stars; one submission).

Submission:

Centre of Medical Genetics, University Hospital Muenster
Classification: Pathogenic. Last evaluated: 2021-12-10. Review status: criteria provided, single submitter. Criteria: ACMG Guidelines, 2015. Collection method: clinical testing. Allele origin: unknown. Affected: yes. Observed: 1 variant allele, 1 homozygote.
Comment: ACMG categories: PS1,PS3,PM2,PP3

NM_000052.7(ATP7A):c.2406+3A>C

Gene: ATP7A (ATPase copper transporting alpha; plus strand). Cytogenetic location: Xq21.1.
Variant type: single nucleotide variant.
Coding change: c.2406+3A>C on transcript NM_000052.7 (MANE Select); 3 bases into the intron after coding-DNA position 2406, A replaced by C.
Molecular consequence: intron variant.
Genome position (GRCh38, 1-based): chrX:78,013,115, A>C. VCF-style: chrX-78013115-A-C. GRCh37 (hg19) VCF-style: chrX-77268612-A-C.
Other names: c.2172+1441A>C (NM_001282224.2).
Identifiers: ClinVar variation 1708320 (VCV001708320.2), dbSNP rs2522355229, ClinGen allele CA2580101516.